The following is an entry in ClinVar:

NM_000092.5(COL4A4):c.4091-1G>A

Gene: COL4A4 (collagen type IV alpha 4 chain; minus strand). Cytogenetic location: 2q36.3.
Variant type: single nucleotide variant.
Coding change: c.4091-1G>A on transcript NM_000092.5 (MANE Select); the canonical splice acceptor site of the intron before coding-DNA position 4091, G replaced by A.
Molecular consequence: splice acceptor variant.
Genome position (GRCh38, 1-based): chr2:227,022,174, C>T on the plus strand (G>A on the coding strand, the complement: COL4A4 is on the minus strand). VCF-style: chr2-227022174-C-T. GRCh37 (hg19) VCF-style: chr2-227886890-C-T.
Identifiers: ClinVar variation 3585756 (VCV003585756.3).
Genomic context (GRCh38, chr2:227,022,174, plus strand): 5'-CCCCAGGAAGGCCTGGGATTCGGGGACAGTCATCCACATCTGCAGGTGGCCCCGGTTCAC[C>T]TGAAATTGGAATCACCGCTTGTGTAATGGATGCACGTGCTTATGAACAAGCTCCTTCTAC-3'

ClinVar aggregate classification (germline): Likely pathogenic. Review status: criteria provided, multiple submitters, no conflicts (2 of 4 stars). 2 submissions from 2 submitters: Likely pathogenic (2). Last evaluated 2025-07-06.

Conditions:
Autosomal recessive Alport syndrome (ATS2). Also called: Alport syndrome type 2; COL4A3-Related Nephropathy; COL4A4 Alport Syndrome and Thin Basement Membrane Nephropathy; ALPORT SYNDROME 2, AUTOSOMAL RECESSIVE. Identifiers: Orphanet 63, Orphanet 88919, MedGen C4746745, MONDO:0008762, OMIM 203780.
Hematuria, benign familial, 1 (BFH1). Also called: THIN MEMBRANE NEPHROPATHY. Identifiers: MedGen CN376803, MONDO:0007709, OMIM 141200.

Submissions (2):

Labcorp Genetics (formerly Invitae), Labcorp
Classification: Likely pathogenic. Last evaluated: 2025-07-06. Review status: criteria provided, single submitter. Criteria: Invitae Variant Classification Sherloc (09022015). Collection method: clinical testing. Allele origin: germline.
Comment: This sequence change affects an acceptor splice site in intron 43 of the COL4A4 gene. It is expected to disrupt RNA splicing. Variants that disrupt the donor or acceptor splice site typically lead to a loss of protein function (PMID: 16199547), and loss-of-function variants in COL4A4 are known to be pathogenic (PMID: 21196518, 24854265, 25307543). This variant is not present in population databases (gnomAD no frequency). This variant has not been reported in the literature in individuals affected with COL4A4-related conditions. ClinVar contains an entry for this variant (Variation ID: 3585756). Algorithms developed to predict the effect of sequence changes on RNA splicing suggest that this variant may disrupt the consensus splice site. In summary, the currently available evidence indicates that the variant is pathogenic, but additional data are needed to prove that conclusively. Therefore, this variant has been classified as Likely Pathogenic.

Fulgent Genetics
Classification: Likely pathogenic for Hematuria, benign familial, 1; Autosomal recessive Alport syndrome. Last evaluated: 2024-05-15. Review status: criteria provided, single submitter. Criteria: ACMG Guidelines, 2015. Collection method: clinical testing. Allele origin: germline.

Literature cited by the submitters: PubMed 16199547 (cited by Labcorp Genetics (formerly Invitae), Labcorp); PubMed 21196518 (cited by Labcorp Genetics (formerly Invitae), Labcorp); PubMed 24854265 (cited by Labcorp Genetics (formerly Invitae), Labcorp); PubMed 25307543 (cited by Labcorp Genetics (formerly Invitae), Labcorp).